The following is an entry in ClinVar:

ClinVar aggregate classification (germline): Pathogenic (1 of 4 stars; one submission).

Conditions:
Early-onset Parkinson disease 20. Also called: PARKINSON DISEASE 20, AUTOSOMAL RECESSIVE EARLY-ONSET. Identifiers: Orphanet 391411, MedGen C3809824, MONDO:0014233, OMIM 615530.
Developmental and epileptic encephalopathy, 53. Also called: Epileptic encephalopathy, early infantile, 53. Identifiers: MedGen C4479313, MONDO:0033362, OMIM 617389.

Submission:

Labcorp Genetics (formerly Invitae), Labcorp
Classification: Pathogenic for Developmental and epileptic encephalopathy, 53; Early-onset Parkinson disease 20. Last evaluated: 2018-05-23. Review status: criteria provided, single submitter. Criteria: Invitae Variant Classification Sherloc (09022015). Collection method: clinical testing. Allele origin: germline.
Comment: For these reasons, this variant has been classified as Pathogenic. Loss-of-function variants in SYNJ1 are known to be pathogenic (PMID: 25316601, 27435091). This variant has not been reported in the literature in individuals with SYNJ1-related disease. While this variant is not present in population databases, the frequency information is unreliable, as metrics indicate poor data quality at this position in the ExAC database. This sequence change creates a premature translational stop signal (p.Trp8*) in the SYNJ1 gene. It is expected to result in an absent or disrupted protein product.

Literature cited by the submitters: PubMed 25316601; PubMed 27435091.

NC_000021.9:g.32728017C>T

Gene: SYNJ1 (synaptojanin 1; minus strand). Cytogenetic location: 21q22.11.
Variant type: single nucleotide variant.
Molecular consequence: nonsense (on NM_003895.4).
Genome position: GRCh38 VCF-style: chr21-32728017-C-T. GRCh37 (hg19) VCF-style: chr21-34100328-C-T.
Other names: c.24G>A, p.Trp8Ter (NM_003895.4); short protein forms W8*.
Identifiers: ClinVar variation 575322 (VCV000575322.8), dbSNP rs1569147057, ClinGen allele CA410078884.
Genomic context (GRCh38, chr21:32,728,017, plus strand): 5'-GCTCCTCCTCCTCCTTCTCCCGCAGCCGCCGCCACAGCCGCCGGGAGCGTCACTTCCGCT[C>T]CAGCAGGCCCATCTCTTCCGCATTGCGCCGCGGCCGGGGGCGGAAGATCCGCCCCGCGCG-3'